The following is an entry in ClinVar:

NM_000037.4(ANK1):c.*992T>C

Gene: ANK1 (ankyrin 1; minus strand). Cytogenetic location: 8p11.21.
Variant type: single nucleotide variant.
Coding change: c.*992T>C on transcript NM_000037.4 (MANE Select); 992 bases downstream of the stop codon, T replaced by C.
Molecular consequence: 3 prime UTR variant.
Genome position (GRCh38, 1-based): chr8:41,654,798, A>G on the plus strand (T>C on the coding strand, the complement: ANK1 is on the minus strand). VCF-style: chr8-41654798-A-G. GRCh37 (hg19) VCF-style: chr8-41512317-A-G.
Other names: c.*929T>C (NM_001142445.2, NM_001142446.2, NM_020475.3 and 3 more transcripts); c.*992T>C (NM_020478.5).
Identifiers: ClinVar variation 362967 (VCV000362967.5), dbSNP rs559077429, ClinGen allele CA10631045.

ClinVar aggregate classification (germline): Conflicting classifications of pathogenicity. Review status: criteria provided, conflicting classifications (1 of 4 stars). 2 submissions from 1 submitter: Uncertain significance (1); Likely benign (1). Last evaluated 2018-01-13.

Conditions:
Hereditary spherocytosis type 1. Also called: Spherocytosis type 1; ANK1-Related Spherocytosis. Identifiers: Orphanet 822, MedGen C2674218, MONDO:0008447, OMIM 182900.
Spherocytosis. Identifiers: MedGen C0553720, HP:0004444.

Allele frequency attached by ClinVar (database versions not stated): 1000 Genomes Project 0.00040; 1000 Genomes Project 30x 0.00047; gnomAD 0.00074; TOPMed 0.00087.

Submissions (2):

Illumina Laboratory Services, Illumina
Classification: Likely benign for Hereditary spherocytosis type 1. Last evaluated: 2018-01-13. Review status: criteria provided, single submitter. Criteria: ICSL Variant Classification Criteria 13 December 2019. Collection method: clinical testing. Allele origin: germline.
Comment: This variant was observed in the ICSL laboratory as part of a predisposition screen in an ostensibly healthy population. It had not been previously curated by ICSL or reported in the Human Gene Mutation Database (HGMD: prior to June 1st, 2018), and was therefore a candidate for classification through an automated scoring system. Utilizing variant allele frequency, disease prevalence and penetrance estimates, and inheritance mode, an automated score was calculated to assess if this variant is too frequent to cause the disease. Based on the score and internal cut-off values, a variant classified as likely benign is not then subjected to further curation. The score for this variant resulted in a classification of likely benign for this disease.

Illumina Laboratory Services, Illumina
Classification: Uncertain significance for Spherocytosis. Last evaluated: 2018-01-13. Review status: criteria provided, single submitter. Criteria: ICSL Variant Classification Criteria 13 December 2019. Collection method: clinical testing. Allele origin: germline.